The following is an entry in ClinVar:

ClinVar aggregate classification (germline): Likely benign. Review status: criteria provided, multiple submitters, no conflicts (2 of 4 stars). 2 submissions from 2 submitters: Likely benign (2). Last evaluated 2024-08-07.

Allele frequency attached by ClinVar (database versions not stated): TOPMed 0.00029; ExAC 0.00037.

Submissions (2):

Blueprint Genetics
Classification: Likely benign. Last evaluated: 2024-08-07. Review status: criteria provided, single submitter. Criteria: ACMG Guidelines, 2015. Collection method: clinical testing. Allele origin: germline.

CeGaT Center for Human Genetics Tuebingen
Classification: Likely benign. Last evaluated: 2022-09-01. Review status: criteria provided, single submitter. Criteria: CeGaT Center For Human Genetics Tuebingen Variant Classification Criteria Version 2. Collection method: clinical testing. Allele origin: germline. Affected: yes. Observed: 1 variant allele.
Comment: HYDIN: BP4, BP7, BS2

NM_001270974.2(HYDIN):c.8493A>G (p.Leu2831=)

Gene: HYDIN (HYDIN axonemal central pair apparatus protein; minus strand). Cytogenetic location: 16q22.2.
Variant type: single nucleotide variant.
Coding change: c.8493A>G on transcript NM_001270974.2 (MANE Select); coding-DNA position 8493, A replaced by G.
Protein change: p.Leu2831=; no amino-acid change (leucine 2831 retained).
Molecular consequence: synonymous variant.
Genome position (GRCh38, 1-based): chr16:70,907,395, T>C on the plus strand (A>G on the coding strand, the complement: HYDIN is on the minus strand). VCF-style: chr16-70907395-T-C. GRCh37 (hg19) VCF-style: chr16-70941298-T-C.
Identifiers: ClinVar variation 2646736 (VCV002646736.25), dbSNP rs750534052, ClinGen allele CA8149752.